The following is an entry in ClinVar:

NM_022124.6(CDH23):c.1428G>T (p.Gly476=)

Gene: CDH23 (cadherin related 23; plus strand). Cytogenetic location: 10q22.1.
Variant type: single nucleotide variant.
Coding change: c.1428G>T on transcript NM_022124.6 (MANE Select); coding-DNA position 1428, G replaced by T.
Protein change: p.Gly476=; no amino-acid change (glycine 476 retained).
Molecular consequence: synonymous variant.
Genome position (GRCh38, 1-based): chr10:71,646,596, G>T. VCF-style: chr10-71646596-G-T. GRCh37 (hg19) VCF-style: chr10-73406353-G-T.
Other names: c.1428G>T, p.Gly476= (NM_001171930.2, NM_001171931.2, NM_052836.4).
Identifiers: ClinVar variation 45868 (VCV000045868.12), dbSNP rs397517306, ClinGen allele CA137271.

ClinVar aggregate classification (germline): Likely benign. Review status: criteria provided, multiple submitters, no conflicts (2 of 4 stars). 2 submissions from 2 submitters: Likely benign (2). Last evaluated 2023-10-13.

Allele frequency attached by ClinVar (database versions not stated): gnomAD exomes 0.00001.
gnomAD v4.1: 12 of 1,613,996 alleles (0.00074%); highest among the groups gnomAD compares: Admixed American, 0.0033%; no homozygotes.

Submissions (2):

Labcorp Genetics (formerly Invitae), Labcorp
Classification: Likely benign. Last evaluated: 2023-10-13. Review status: criteria provided, single submitter. Criteria: Invitae Variant Classification Sherloc (09022015). Collection method: clinical testing. Allele origin: germline.

Laboratory for Molecular Medicine, Mass General Brigham Personalized Medicine
Classification: Likely benign. Last evaluated: 2014-08-11. Review status: criteria provided, single submitter. Criteria: LMM Criteria. Collection method: clinical testing. Allele origin: germline. Observed: 1 variant allele.
Comment: Gly476Gly in exon 14A of CDH23: This variant is not expected to have clinical si gnificance because it does not alter an amino acid residue and is not located wi thin the splice consensus sequence.